The following is an entry in ClinVar:

ClinVar aggregate classification (germline): Uncertain significance (1 of 4 stars; one submission).

gnomAD v4.1: 12 of 1,613,426 alleles (0.00074%); highest among the groups gnomAD compares: Non-Finnish European, 0.00093%; no homozygotes.

Submission:

Labcorp Genetics (formerly Invitae), Labcorp
Classification: Uncertain significance. Last evaluated: 2022-04-28. Review status: criteria provided, single submitter. Criteria: Invitae Variant Classification Sherloc (09022015). Collection method: clinical testing. Allele origin: germline.
Comment: In summary, the available evidence is currently insufficient to determine the role of this variant in disease. Therefore, it has been classified as a Variant of Uncertain Significance. Algorithms developed to predict the effect of missense changes on protein structure and function are either unavailable or do not agree on the potential impact of this missense change (SIFT: "Tolerated"; PolyPhen-2: "Possibly Damaging"; Align-GVGD: "Class C0"). This variant has not been reported in the literature in individuals affected with CUL7-related conditions. This variant is present in population databases (rs199704962, gnomAD 0.003%). This sequence change replaces proline, which is neutral and non-polar, with arginine, which is basic and polar, at codon 676 of the CUL7 protein (p.Pro676Arg).

NM_014780.5(CUL7):c.2027C>G (p.Pro676Arg)

Gene: CUL7 (cullin 7; minus strand). Cytogenetic location: 6p21.1.
Variant type: single nucleotide variant.
Coding change: c.2027C>G on transcript NM_014780.5 (MANE Select); coding-DNA position 2027, C replaced by G.
Protein change: p.Pro676Arg; replaces proline 676 with arginine.
Molecular consequence: missense variant.
Genome position (GRCh38, 1-based): chr6:43,048,368, G>C on the plus strand (C>G on the coding strand, the complement: CUL7 is on the minus strand). VCF-style: chr6-43048368-G-C. GRCh37 (hg19) VCF-style: chr6-43016106-G-C.
Other names: c.2123C>G, p.Pro708Arg (NM_001168370.2, NM_001374872.1); c.2027C>G, p.Pro676Arg (NM_001374873.1, NM_001374874.1); short protein forms P676R, P708R.
Identifiers: ClinVar variation 2054845 (VCV002054845.4), dbSNP rs199704962, ClinGen allele CA3814016.
Genomic context (GRCh38, chr6:43,048,368, plus strand): 5'-TCCCACCTGTCACCATGCTCTCACCTCAGCACAGTCAGGTGCAGGGTCCTGTTAGTCTCC[G>C]GAGTGTCCAGGCTCTGCATCAGTGCCAGGAAGGGCTGCGGCTGCCGCTGCAGCTGCAGCA-3'
Protein context (NP_055595.2, residues 666-686): FLALMQSLDT[Pro676Arg]ETNRTLHLTV